The following is an entry in ClinVar:

NM_001854.4(COL11A1):c.652-3C>T

Gene: COL11A1 (collagen type XI alpha 1 chain; minus strand). Cytogenetic location: 1p21.1.
Variant type: single nucleotide variant.
Coding change: c.652-3C>T on transcript NM_001854.4 (MANE Select); 3 bases into the intron before coding-DNA position 652, C replaced by T.
Molecular consequence: intron variant.
Genome position (GRCh38, 1-based): chr1:103,031,247, G>A on the plus strand (C>T on the coding strand, the complement: COL11A1 is on the minus strand). VCF-style: chr1-103031247-G-A. GRCh37 (hg19) VCF-style: chr1-103496803-G-A.
Other names: c.652-3C>T (NM_001190709.2, NM_080629.3, NM_080630.4).
Identifiers: ClinVar variation 3681984 (VCV003681984.2).
Genomic context (GRCh38, chr1:103,031,247, plus strand): 5'-CACAGTAGTCATATGCTGCCTTGGGATCACCTGTGATCAAAAACTGCTGAATGTCCCCCT[G>A]GGAAAAAAAAAAAAACAAAAACAAACAGACACAGATTCAGTTAGCATATTAAAGTACACA-3'

ClinVar aggregate classification (germline): Uncertain significance (1 of 4 stars; one submission).

Submission:

Labcorp Genetics (formerly Invitae), Labcorp
Classification: Uncertain significance. Last evaluated: 2025-01-29. Review status: criteria provided, single submitter. Criteria: Invitae Variant Classification Sherloc (09022015). Collection method: clinical testing. Allele origin: germline.
Comment: This sequence change falls in intron 4 of the COL11A1 gene. It does not directly change the encoded amino acid sequence of the COL11A1 protein. It affects a nucleotide within the consensus splice site. The frequency data for this variant in the population databases is considered unreliable, as metrics indicate poor data quality at this position in the gnomAD database. This variant has not been reported in the literature in individuals affected with COL11A1-related conditions. Variants that disrupt the consensus splice site are a relatively common cause of aberrant splicing (PMID: 17576681, 9536098). Algorithms developed to predict the effect of sequence changes on RNA splicing suggest that this variant is not likely to affect RNA splicing. In summary, the available evidence is currently insufficient to determine the role of this variant in disease. Therefore, it has been classified as a Variant of Uncertain Significance.

Literature cited by the submitters: PubMed 17576681; PubMed 9536098.